The following is an entry in ClinVar:

ClinVar aggregate classification (germline): Likely benign. Review status: criteria provided, single submitter (1 of 4 stars). 2 submissions from 2 submitters: Likely benign (1). 1 of the submissions does not count toward it. Last evaluated 2022-11-01.

Conditions:
HEY1-related disorder. Also called: HEY1-related condition.

Allele frequency attached by ClinVar (database versions not stated): 1000 Genomes Project 0.00080; 1000 Genomes Project 30x 0.00109; TOPMed 0.00115; gnomAD 0.00121; ExAC 0.00133; gnomAD exomes 0.00202; ESP Exome Variant Server 0.00223.
gnomAD v4.1: 3,115 of 1,614,076 alleles (0.19%); highest among the groups gnomAD compares: Non-Finnish European, 0.25%; 5 homozygotes.

Submissions (2):

CeGaT Center for Human Genetics Tuebingen
Classification: Likely benign. Last evaluated: 2022-11-01. Review status: criteria provided, single submitter. Criteria: CeGaT Center For Human Genetics Tuebingen Variant Classification Criteria Version 2. Collection method: clinical testing. Allele origin: germline. Affected: yes. Observed: 2 variant alleles.
Comment: HEY1: BP4

PreventionGenetics, part of Exact Sciences
Classification: Likely benign for HEY1-related condition. Last evaluated: 2019-11-26. Review status: no assertion criteria provided. Collection method: clinical testing. Allele origin: germline. Not counted in ClinVar's aggregate classification.
Comment: This variant is classified as likely benign based on ACMG/AMP sequence variant interpretation guidelines (Richards et al. 2015 PMID: 25741868, with internal and published modifications).

NM_012258.4(HEY1):c.375G>A (p.Leu125=)

Gene: HEY1 (hes related family bHLH transcription factor with YRPW motif 1; minus strand). Cytogenetic location: 8q21.13.
Variant type: single nucleotide variant.
Coding change: c.375G>A on transcript NM_012258.4 (MANE Select); coding-DNA position 375, G replaced by A.
Protein change: p.Leu125=; no amino-acid change (leucine 125 retained).
Molecular consequence: synonymous variant.
Genome position (GRCh38, 1-based): chr8:79,765,728, C>T on the plus strand (G>A on the coding strand, the complement: HEY1 is on the minus strand). VCF-style: chr8-79765728-C-T. GRCh37 (hg19) VCF-style: chr8-80677963-C-T.
Other names: c.387G>A, p.Leu129= (NM_001040708.2); c.105G>A, p.Leu35= (NM_001282851.2); c.387G>A (NM_001040708.1).
Identifiers: ClinVar variation 2658672 (VCV002658672.25), dbSNP rs149646861, ClinGen allele CA4789706.